The following is an entry in ClinVar:

NM_001376.5(DYNC1H1):c.3382C>A (p.Leu1128Ile)

Gene: DYNC1H1 (dynein cytoplasmic 1 heavy chain 1; plus strand). Cytogenetic location: 14q32.31.
Variant type: single nucleotide variant.
Coding change: c.3382C>A on transcript NM_001376.5 (MANE Select); coding-DNA position 3382, C replaced by A.
Protein change: p.Leu1128Ile; replaces leucine 1128 with isoleucine.
Molecular consequence: missense variant.
Genome position (GRCh38, 1-based): chr14:101,995,034, C>A. VCF-style: chr14-101995034-C-A. GRCh37 (hg19) VCF-style: chr14-102461371-C-A.
Other names: short protein forms L1128I.
Identifiers: ClinVar variation 3636133 (VCV003636133.2).

ClinVar aggregate classification (germline): Uncertain significance (1 of 4 stars; one submission).

Conditions:
Charcot-Marie-Tooth disease axonal type 2O. Also called: Charcot-Marie-Tooth disease, axonal, type 20; CHARCOT-MARIE-TOOTH NEUROPATHY, AXONAL, TYPE 2O; CHARCOT-MARIE-TOOTH DISEASE, AXONAL, AUTOSOMAL DOMINANT, TYPE 2O; Charcot-Marie-Tooth Neuropathy Type 2O. Identifiers: Orphanet 284232, MedGen C3280220, MONDO:0013644, OMIM 614228.

gnomAD v4.1: 1 of 1,614,178 alleles (0.000062%); highest among the groups gnomAD compares: Non-Finnish European, 0.000085%; no homozygotes.

Submission:

Labcorp Genetics (formerly Invitae), Labcorp
Classification: Uncertain significance for Charcot-Marie-Tooth disease axonal type 2O. Last evaluated: 2024-11-11. Review status: criteria provided, single submitter. Criteria: Invitae Variant Classification Sherloc (09022015). Collection method: clinical testing. Allele origin: germline.
Comment: This sequence change replaces leucine, which is neutral and non-polar, with isoleucine, which is neutral and non-polar, at codon 1128 of the DYNC1H1 protein (p.Leu1128Ile). This variant is not present in population databases (gnomAD no frequency). This variant has not been reported in the literature in individuals affected with DYNC1H1-related conditions. Invitae Evidence Modeling of protein sequence and biophysical properties (such as structural, functional, and spatial information, amino acid conservation, physicochemical variation, residue mobility, and thermodynamic stability) indicates that this missense variant is expected to disrupt DYNC1H1 protein function with a positive predictive value of 95%. In summary, the available evidence is currently insufficient to determine the role of this variant in disease. Therefore, it has been classified as a Variant of Uncertain Significance.